The following is an entry in ClinVar:

ClinVar aggregate classification (germline): Benign/Likely benign. Review status: criteria provided, multiple submitters, no conflicts (2 of 4 stars). 13 submissions from 12 submitters: Benign (7); Likely benign (4). 2 of the submissions do not count toward it. Last evaluated 2026-03-26.

Conditions:
Hereditary cancer-predisposing syndrome. Also called: Tumor predisposition; Hereditary neoplastic syndrome; Hereditary Cancer Syndrome; Neoplastic Syndromes, Hereditary. Identifiers: Orphanet 140162, MedGen C0027672, MeSH D009386, MONDO:0015356.
Holoprosencephaly 7 (HPE7). Identifiers: Orphanet 2162, MedGen C1835820, MONDO:0012562, OMIM 610828.
Gorlin syndrome. Also called: Basal cell nevus syndrome; Nevoid Basal Cell Carcinoma Syndrome. Identifiers: Orphanet 377, MedGen C0004779, MONDO:0007187.
PTCH1-related disorder. Also called: PTCH1-related disorders; PTCH1-related condition.

Allele frequency attached by ClinVar (database versions not stated): ESP Exome Variant Server 0.00008; gnomAD 0.00012 and 0.00023; TOPMed 0.00013; gnomAD exomes 0.00024 and 0.00047; ExAC 0.00052; 1000 Genomes Project 30x 0.00078; 1000 Genomes Project 0.00100.
gnomAD v4.1: 392 of 1,614,026 alleles (0.024%); highest among the groups gnomAD compares: South Asian, 0.28%; 1 homozygote.

Submissions (13):

Women's Health and Genetics/Laboratory Corporation of America, LabCorp
Classification: Benign. Last evaluated: 2026-03-26. Review status: criteria provided, single submitter. Criteria: LabCorp Variant Classification Summary - May 2015. Collection method: clinical testing. Allele origin: germline.

Labcorp Genetics (formerly Invitae), Labcorp
Classification: Benign for Gorlin syndrome. Last evaluated: 2026-01-28. Review status: criteria provided, single submitter. Criteria: Invitae Variant Classification Sherloc (09022015). Collection method: clinical testing. Allele origin: germline.

Center for Genomic Medicine, Rigshospitalet, Copenhagen University Hospital
Classification: Likely benign. Last evaluated: 2025-12-29. Review status: criteria provided, single submitter. Criteria: ACMG Guidelines, 2015. Collection method: clinical testing. Allele origin: germline.

CeGaT Center for Human Genetics Tuebingen
Classification: Likely benign. Last evaluated: 2025-09-01. Review status: criteria provided, single submitter. Criteria: CeGaT Center For Human Genetics Tuebingen Variant Classification Criteria Version 2. Collection method: clinical testing. Allele origin: germline. Affected: yes. Observed: 2 variant alleles.
Comment: PTCH1: BP4, BP7

Blueprint Genetics
Classification: Likely benign. Last evaluated: 2024-11-18. Review status: criteria provided, single submitter. Criteria: ACMG Guidelines, 2015. Collection method: clinical testing. Allele origin: germline.

KCCC/NGS Laboratory, Kuwait Cancer Control Center
Classification: Benign for Basal cell nevus syndrome 1. Last evaluated: 2023-07-07. Review status: criteria provided, single submitter. Criteria: ACMG Guidelines, 2015. Collection method: clinical testing. Allele origin: germline. Affected: yes.

Quest Diagnostics Nichols Institute San Juan Capistrano
Classification: Benign. Last evaluated: 2022-08-24. Review status: criteria provided, single submitter. Criteria: Quest Diagnostics criteria. Collection method: clinical testing. Allele origin: unknown.

Sema4
Classification: Benign for Hereditary cancer-predisposing syndrome. Last evaluated: 2021-08-25. Review status: criteria provided, single submitter. Criteria: Sema4 Curation Guidelines. Collection method: curation. Allele origin: germline.

Illumina Laboratory Services, Illumina
Classification: Benign for Holoprosencephaly 7. Last evaluated: 2018-01-13. Review status: criteria provided, single submitter. Criteria: ICSL Variant Classification Criteria 13 December 2019. Collection method: clinical testing. Allele origin: germline.
Comment: This variant was observed in the ICSL laboratory as part of a predisposition screen in an ostensibly healthy population. It had not been previously curated by ICSL or reported in the Human Gene Mutation Database (HGMD: prior to June 1st, 2018), and was therefore a candidate for classification through an automated scoring system. Utilizing variant allele frequency, disease prevalence and penetrance estimates, and inheritance mode, an automated score was calculated to assess if this variant is too frequent to cause the disease. Based on the score and internal cut-off values, a variant classified as benign is not then subjected to further curation. The score for this variant resulted in a classification of benign for this disease.

Illumina Laboratory Services, Illumina
Classification: Benign for Basal cell nevus syndrome 1. Last evaluated: 2018-01-13. Review status: criteria provided, single submitter. Criteria: ICSL Variant Classification Criteria 13 December 2019. Collection method: clinical testing. Allele origin: germline.
Comment: the same text as in the submission from Illumina Laboratory Services, Illumina above.

Ambry Genetics
Classification: Likely benign for Hereditary cancer-predisposing syndrome. Last evaluated: 2017-06-12. Review status: criteria provided, single submitter. Criteria: Ambry Variant Classification Scheme 2023. Collection method: clinical testing. Allele origin: germline.

PreventionGenetics, part of Exact Sciences
Classification: Benign for PTCH1-related condition. Last evaluated: 2024-08-19. Review status: no assertion criteria provided. Collection method: clinical testing. Allele origin: germline. Not counted in ClinVar's aggregate classification.
Comment: This variant is classified as benign based on ACMG/AMP sequence variant interpretation guidelines (Richards et al. 2015 PMID: 25741868, with internal and published modifications).

Genetic Services Laboratory, University of Chicago
Classification: Likely benign. Last evaluated: 2022-05-20. Review status: no assertion criteria provided. Collection method: clinical testing. Allele origin: germline. Affected: no. Not counted in ClinVar's aggregate classification.

NM_000264.5(PTCH1):c.3435C>T (p.Phe1145=)

Gene: PTCH1 (patched 1; minus strand). Cytogenetic location: 9q22.32.
Variant type: single nucleotide variant.
Coding change: c.3435C>T on transcript NM_000264.5 (MANE Select); coding-DNA position 3435, C replaced by T.
Protein change: p.Phe1145=; no amino-acid change (phenylalanine 1145 retained).
Molecular consequence: synonymous variant. On other transcripts: non-coding transcript variant (1).
Genome position (GRCh38, 1-based): chr9:95,453,492, G>A on the plus strand (C>T on the coding strand, the complement: PTCH1 is on the minus strand). VCF-style: chr9-95453492-G-A. GRCh37 (hg19) VCF-style: chr9-98215774-G-A.
Other names: c.3237C>T, p.Phe1079= (NM_001083602.3); c.3432C>T, p.Phe1144= (NM_001083603.3); c.2982C>T, p.Phe994= (NM_001083604.3, NM_001083605.3, NM_001083606.3 and 1 more transcripts); c.3279C>T, p.Phe1093= (NM_001354918.2); c.3435C>T (NM_000264.4).
Identifiers: ClinVar variation 135891 (VCV000135891.46), dbSNP rs200435277, ClinGen allele CA332532.